The following is an entry in ClinVar:

ClinVar aggregate classification (germline): Uncertain significance. Review status: criteria provided, multiple submitters, no conflicts (2 of 4 stars). 2 submissions from 2 submitters: Uncertain significance (2). Last evaluated 2025-01-07.

Conditions:
Inborn genetic diseases. Identifiers: MedGen C0950123, MeSH D030342.

Allele frequency attached by ClinVar (database versions not stated): ExAC 0.00001; gnomAD exomes below 0.00001.
gnomAD v4.1: 36 of 1,613,774 alleles (0.0022%); highest among the groups gnomAD compares: Non-Finnish European, 0.0025%; no homozygotes.

Submissions (2):

Ambry Genetics
Classification: Uncertain significance for Inborn genetic diseases. Last evaluated: 2025-01-07. Review status: criteria provided, single submitter. Criteria: Ambry Variant Classification Scheme 2023. Collection method: clinical testing. Allele origin: germline.

Labcorp Genetics (formerly Invitae), Labcorp
Classification: Uncertain significance. Last evaluated: 2022-08-29. Review status: criteria provided, single submitter. Criteria: Invitae Variant Classification Sherloc (09022015). Collection method: clinical testing. Allele origin: germline.
Comment: This sequence change replaces threonine, which is neutral and polar, with methionine, which is neutral and non-polar, at codon 257 of the TULP1 protein (p.Thr257Met). This variant is present in population databases (rs765500202, gnomAD 0.002%). This variant has not been reported in the literature in individuals affected with TULP1-related conditions. ClinVar contains an entry for this variant (Variation ID: 1440486). Algorithms developed to predict the effect of missense changes on protein structure and function are either unavailable or do not agree on the potential impact of this missense change (SIFT: "Not Available"; PolyPhen-2: "Benign"; Align-GVGD: "Not Available"). In summary, the available evidence is currently insufficient to determine the role of this variant in disease. Therefore, it has been classified as a Variant of Uncertain Significance.

NM_003322.6(TULP1):c.770C>T (p.Thr257Met)

Gene: TULP1 (TUB like protein 1; minus strand). Cytogenetic location: 6p21.31.
Variant type: single nucleotide variant.
Coding change: c.770C>T on transcript NM_003322.6 (MANE Select); coding-DNA position 770, C replaced by T.
Protein change: p.Thr257Met; replaces threonine 257 with methionine.
Molecular consequence: missense variant.
Genome position (GRCh38, 1-based): chr6:35,509,261, G>A on the plus strand (C>T on the coding strand, the complement: TULP1 is on the minus strand). VCF-style: chr6-35509261-G-A. GRCh37 (hg19) VCF-style: chr6-35477038-G-A.
Other names: c.611C>T, p.Thr204Met (NM_001289395.2); c.770C>T (NM_003322.3); short protein forms T204M, T257M.
Identifiers: ClinVar variation 1440486 (VCV001440486.4), dbSNP rs765500202, ClinGen allele CA3772806.